The following is an entry in ClinVar:

NM_022482.5(GZF1):c.1103G>C (p.Arg368Pro)

Gene: GZF1 (GDNF inducible zinc finger protein 1; plus strand). Cytogenetic location: 20p11.21.
Variant type: single nucleotide variant.
Coding change: c.1103G>C on transcript NM_022482.5 (MANE Select); coding-DNA position 1103, G replaced by C.
Protein change: p.Arg368Pro; replaces arginine 368 with proline.
Molecular consequence: missense variant.
Genome position (GRCh38, 1-based): chr20:23,365,486, G>C. VCF-style: chr20-23365486-G-C. GRCh37 (hg19) VCF-style: chr20-23346123-G-C.
Other names: c.1103G>C, p.Arg368Pro (NM_001317012.2, NM_001317019.1); short protein forms R368P.
Identifiers: ClinVar variation 1375978 (VCV001375978.6), dbSNP rs1394368889, ClinGen allele CA408411049.

ClinVar aggregate classification (germline): Uncertain significance (1 of 4 stars; one submission).

Allele frequency attached by ClinVar (database versions not stated): gnomAD exomes 0.00001.
gnomAD v4.1: 2 of 1,613,794 alleles (0.00012%); highest among the groups gnomAD compares: Admixed American, 0.0033%; no homozygotes.

Submission:

Labcorp Genetics (formerly Invitae), Labcorp
Classification: Uncertain significance. Last evaluated: 2022-06-27. Review status: criteria provided, single submitter. Criteria: Invitae Variant Classification Sherloc (09022015). Collection method: clinical testing. Allele origin: germline.
Comment: In summary, the available evidence is currently insufficient to determine the role of this variant in disease. Therefore, it has been classified as a Variant of Uncertain Significance. Algorithms developed to predict the effect of missense changes on protein structure and function are either unavailable or do not agree on the potential impact of this missense change (SIFT: "Not Available"; PolyPhen-2: "Probably Damaging"; Align-GVGD: "Not Available"). This variant has not been reported in the literature in individuals affected with GZF1-related conditions. This variant is present in population databases (no rsID available, gnomAD 0.006%). This sequence change replaces arginine with proline at codon 368 of the GZF1 protein (p.Arg368Pro). The arginine residue is moderately conserved and there is a moderate physicochemical difference between arginine and proline.